The following is an entry in ClinVar:

NM_017763.6(RNF43):c.1732T>C (p.Ser578Pro)

Gene: RNF43 (ring finger protein 43; minus strand). Cytogenetic location: 17q22.
Variant type: single nucleotide variant.
Coding change: c.1732T>C on transcript NM_017763.6 (MANE Select); coding-DNA position 1732, T replaced by C.
Protein change: p.Ser578Pro; replaces serine 578 with proline.
Molecular consequence: missense variant.
Genome position (GRCh38, 1-based): chr17:58,358,044, A>G on the plus strand (T>C on the coding strand, the complement: RNF43 is on the minus strand). VCF-style: chr17-58358044-A-G. GRCh37 (hg19) VCF-style: chr17-56435405-A-G.
Other names: c.1732T>C, p.Ser578Pro (NM_001305544.3); c.1351T>C, p.Ser451Pro (NM_001305545.2); short protein forms S578P, S451P.
Identifiers: ClinVar variation 3789930 (VCV003789930.1).
Genomic context (GRCh38, chr17:58,358,044, plus strand): 5'-CTTGCTGATCAGGAGAAGGTGGCTCTGGCTGGGGCTGTGTCCGAGGAATAGGAGGCCTGG[A>G]CTGGGGGACTCCGGTTTCTGGGCCAGGCTTCCTGCCATGCCACTGGAACCGCTTTTTGTA-3'
Protein context (NP_060233.3, residues 568-588): KPGPETGVPQ[Ser578Pro]RPPIPRTQPQ

ClinVar aggregate classification (germline): Uncertain significance (1 of 4 stars; one submission).

Submission:

Ambry Genetics
Classification: Uncertain significance. Last evaluated: 2025-02-06. Review status: criteria provided, single submitter. Criteria: Ambry Variant Classification Scheme 2023. Collection method: clinical testing. Allele origin: germline.
Comment: The p.S578P variant (also known as c.1732T>C), located in coding exon 8 of the RNF43 gene, results from a T to C substitution at nucleotide position 1732. The serine at codon 578 is replaced by proline, an amino acid with similar properties. This amino acid position is conserved. In addition, this alteration is predicted to be tolerated by in silico analysis. Based on the available evidence, the clinical significance of this variant remains unclear.